The following is an entry in ClinVar:

NM_001184.4(ATR):c.2834A>G (p.Gln945Arg)

Gene: ATR (ATR checkpoint kinase; minus strand). Cytogenetic location: 3q23.
Variant type: single nucleotide variant.
Coding change: c.2834A>G on transcript NM_001184.4 (MANE Select); coding-DNA position 2834, A replaced by G.
Protein change: p.Gln945Arg; replaces glutamine 945 with arginine.
Molecular consequence: missense variant.
Genome position (GRCh38, 1-based): chr3:142,550,274, T>C on the plus strand (A>G on the coding strand, the complement: ATR is on the minus strand). VCF-style: chr3-142550274-T-C. GRCh37 (hg19) VCF-style: chr3-142269116-T-C.
Other names: c.2642A>G, p.Gln881Arg (NM_001354579.2); short protein forms Q945R, Q881R.
Identifiers: ClinVar variation 1796621 (VCV001796621.3), dbSNP rs2473367657, ClinGen allele CA354813347.

ClinVar aggregate classification (germline): Uncertain significance (1 of 4 stars; one submission).

Conditions:
Inborn genetic diseases. Identifiers: MedGen C0950123, MeSH D030342.

Allele frequency attached by ClinVar (database versions not stated): gnomAD exomes below 0.00001.
gnomAD v4.1: 1 of 1,614,198 alleles (0.000062%); highest among the groups gnomAD compares: Non-Finnish European, 0.000085%; no homozygotes.

Submission:

Ambry Genetics
Classification: Uncertain significance for Inborn genetic diseases. Last evaluated: 2024-06-09. Review status: criteria provided, single submitter. Criteria: Ambry Variant Classification Scheme 2023. Collection method: clinical testing. Allele origin: germline.
Comment: The p.Q945R variant (also known as c.2834A>G), located in coding exon 14 of the ATR gene, results from an A to G substitution at nucleotide position 2834. The glutamine at codon 945 is replaced by arginine, an amino acid with highly similar properties. This amino acid position is conserved. In addition, this alteration is predicted to be tolerated by in silico analysis. Since supporting evidence is limited at this time, the clinical significance of this alteration remains unclear.